The following is an entry in ClinVar:

NM_031475.3(ESPN):c.1946C>A (p.Thr649Lys)

Gene: ESPN (espin; plus strand). Cytogenetic location: 1p36.31.
Variant type: single nucleotide variant.
Coding change: c.1946C>A on transcript NM_031475.3 (MANE Select); coding-DNA position 1946, C replaced by A.
Protein change: p.Thr649Lys; replaces threonine 649 with lysine.
Molecular consequence: missense variant.
Genome position (GRCh38, 1-based): chr1:6,451,633, C>A. VCF-style: chr1-6451633-C-A. GRCh37 (hg19) VCF-style: chr1-6511693-C-A.
Other names: c.1856C>A, p.Thr619Lys (NM_001367473.1); c.1883C>A, p.Thr628Lys (NM_001367474.1); short protein forms T628K, T649K, T619K.
Identifiers: ClinVar variation 1946640 (VCV001946640.5), dbSNP rs373536201, ClinGen allele CA338099022.
Genomic context (GRCh38, chr1:6,451,633, plus strand): 5'-GCCAGTGCCTCATCTCCTGCCTCCGCATAGGCACCAAGTCTTTCAACATGATGTCCCCGA[C>A]GGGCGACAACTCGGAGCTACTGGCTGAGATTAAGGCAGGCAAGAGCCTGAAGCCGACGCC-3'
Protein context (NP_113663.2, residues 639-659): STKSFNMMSP[Thr649Lys]GDNSELLAEI

ClinVar aggregate classification (germline): Uncertain significance (1 of 4 stars; one submission).

gnomAD v4.1: 3 of 1,613,078 alleles (0.00019%); highest among the groups gnomAD compares: African/African-American, 0.0013%; no homozygotes.

Submission:

Labcorp Genetics (formerly Invitae), Labcorp
Classification: Uncertain significance. Last evaluated: 2022-08-09. Review status: criteria provided, single submitter. Criteria: Invitae Variant Classification Sherloc (09022015). Collection method: clinical testing. Allele origin: germline.
Comment: Algorithms developed to predict the effect of missense changes on protein structure and function (SIFT, PolyPhen-2, Align-GVGD) all suggest that this variant is likely to be disruptive. This sequence change replaces threonine, which is neutral and polar, with lysine, which is basic and polar, at codon 649 of the ESPN protein (p.Thr649Lys). This variant is present in population databases (no rsID available, gnomAD 0.007%). This variant has not been reported in the literature in individuals affected with ESPN-related conditions. Algorithms developed to predict the effect of sequence changes on RNA splicing suggest that this variant may create or strengthen a splice site. In summary, the available evidence is currently insufficient to determine the role of this variant in disease. Therefore, it has been classified as a Variant of Uncertain Significance.